The following is an entry in ClinVar:

ClinVar aggregate classification (germline): Uncertain significance (1 of 4 stars; one submission).

Conditions:
Bethlem myopathy 1A. Also called: Bethlem myopathy 1; Bethlem Muscular Dystrophy; MYOPATHY, BENIGN CONGENITAL, WITH CONTRACTURES. Identifiers: Orphanet 610, MedGen CN029274, MONDO:0024530, OMIM 158810.

Submission:

Labcorp Genetics (formerly Invitae), Labcorp
Classification: Uncertain significance for Bethlem myopathy 1A. Last evaluated: 2023-09-01. Review status: criteria provided, single submitter. Criteria: Invitae Variant Classification Sherloc (09022015). Collection method: clinical testing. Allele origin: germline.
Comment: This sequence change replaces aspartic acid, which is acidic and polar, with glutamic acid, which is acidic and polar, at codon 360 of the COL6A3 protein (p.Asp360Glu). In summary, the available evidence is currently insufficient to determine the role of this variant in disease. Therefore, it has been classified as a Variant of Uncertain Significance. Advanced modeling of protein sequence and biophysical properties (such as structural, functional, and spatial information, amino acid conservation, physicochemical variation, residue mobility, and thermodynamic stability) performed at Invitae indicates that this missense variant is not expected to disrupt COL6A3 protein function. This variant has not been reported in the literature in individuals affected with COL6A3-related conditions. This variant is not present in population databases (gnomAD no frequency).

NM_004369.4(COL6A3):c.1080C>A (p.Asp360Glu)

Gene: COL6A3 (collagen type VI alpha 3 chain; minus strand). Cytogenetic location: 2q37.3.
Variant type: single nucleotide variant.
Coding change: c.1080C>A on transcript NM_004369.4 (MANE Select); coding-DNA position 1080, C replaced by A.
Protein change: p.Asp360Glu; replaces aspartic acid 360 with glutamic acid.
Molecular consequence: missense variant. On other transcripts: intron variant (2).
Genome position (GRCh38, 1-based): chr2:237,387,814, G>T on the plus strand (C>A on the coding strand, the complement: COL6A3 is on the minus strand). VCF-style: chr2-237387814-G-T. GRCh37 (hg19) VCF-style: chr2-238296457-G-T.
Other names: c.462C>A, p.Asp154Glu (NM_057165.5, NM_057167.4); c.92-6315C>A (NM_057166.5, NM_057164.5); short protein forms D154E, D360E.
Identifiers: ClinVar variation 2757260 (VCV002757260.3), dbSNP rs762463347, ClinGen allele CA351222046.